The following is an entry in ClinVar:

ClinVar aggregate classification (germline): Uncertain significance. Review status: criteria provided, single submitter (1 of 4 stars). 2 submissions from 2 submitters: Uncertain significance (1). 1 of the submissions does not count toward it. Last evaluated 2024-07-19.

Conditions:
Hereditary cancer-predisposing syndrome. Also called: Tumor predisposition; Hereditary neoplastic syndrome; Hereditary Cancer Syndrome; Neoplastic Syndromes, Hereditary. Identifiers: Orphanet 140162, MedGen C0027672, MeSH D009386, MONDO:0015356.

Submissions (2):

Ambry Genetics
Classification: Uncertain significance for Hereditary cancer-predisposing syndrome. Last evaluated: 2024-07-19. Review status: criteria provided, single submitter. Criteria: Ambry Variant Classification Scheme 2023. Collection method: clinical testing. Allele origin: germline.
Comment: The p.F921C variant (also known as c.2762T>G), located in coding exon 16 of the ALK gene, results from a T to G substitution at nucleotide position 2762. The phenylalanine at codon 921 is replaced by cysteine, an amino acid with highly dissimilar properties. This amino acid position is highly conserved in available vertebrate species. In addition, the in silico prediction for this alteration is inconclusive. Based on the available evidence, the clinical significance of this variant remains unclear.

Department of Pathology and Laboratory Medicine, Sinai Health System
Classification: Uncertain significance. Review status: no assertion criteria provided. Collection method: clinical testing. Allele origin: unknown. Affected: yes. Study: The Canadian Open Genetics Repository (COGR). Not counted in ClinVar's aggregate classification.
Comment: The ALK p.Phe921Cys variant was not identified in the literature nor was it identified in the ClinVar, Cosmic, MutDB or LOVD 3.0 databases. The variant was identified in dbSNP (ID: rs1170626086). The variant was identified in 604 of 225124 chromosomes at a frequency of 0.002683 increasing the likelihood this could be a low frequency benign variant (Genome Aggregation Database Feb 27, 2017). The variant was observed in the following populations: Latino in 168 of 23322 chromosomes (freq: 0.007203), Other in 31 of 5288 chromosomes (freq: 0.005862), South Asian in 141 of 24688 chromosomes (freq: 0.005711), East Asian in 74 of 14564 chromosomes (freq: 0.005081), Ashkenazi Jewish in 16 of 8288 chromosomes (freq: 0.001931), European (non-Finnish) in 147 of 107350 chromosomes (freq: 0.001369), European (Finnish) in 15 of 21482 chromosomes (freq: 0.000698) and African in 12 of 20142 chromosomes (freq: 0.000596). The p.Phe921 residue is conserved across mammals and lower organisms and 4 out of 5 computational analyses (Poly-Phen 2, SIFT, BLOSUM and MutationTaster) suggest that the variant may impact the protein. However this information is not predictive enough to assume pathogenicity. In summary, based on the above information, the clinical significance of this variant cannot be determined with certainty at this time. This variant is classified as a variant of unkown significance.

NM_004304.5(ALK):c.2762T>G (p.Phe921Cys)

Gene: ALK (ALK receptor tyrosine kinase; minus strand). Cytogenetic location: 2p23.2.
Variant type: single nucleotide variant.
Coding change: c.2762T>G on transcript NM_004304.5 (MANE Select); coding-DNA position 2762, T replaced by G.
Protein change: p.Phe921Cys; replaces phenylalanine 921 with cysteine.
Molecular consequence: missense variant.
Genome position (GRCh38, 1-based): chr2:29,228,937, A>C on the plus strand (T>G on the coding strand, the complement: ALK is on the minus strand). VCF-style: chr2-29228937-A-C. GRCh37 (hg19) VCF-style: chr2-29451803-A-C.
Other names: c.2762T>G (NM_004304.4); short protein forms F921C.
Identifiers: ClinVar variation 1050300 (VCV001050300.2), dbSNP rs1170626086, ClinGen allele CA346469637.